The following is an entry in ClinVar:

NM_003242.6(TGFBR2):c.1319A>C (p.Glu440Ala)

Gene: TGFBR2 (transforming growth factor beta receptor 2; plus strand). Cytogenetic location: 3p24.1.
Variant type: single nucleotide variant.
Coding change: c.1319A>C on transcript NM_003242.6 (MANE Select); coding-DNA position 1319, A replaced by C.
Protein change: p.Glu440Ala; replaces glutamic acid 440 with alanine.
Molecular consequence: missense variant.
Genome position (GRCh38, 1-based): chr3:30,674,169, A>C. VCF-style: chr3-30674169-A-C. GRCh37 (hg19) VCF-style: chr3-30715661-A-C.
Other names: c.1394A>C, p.Glu465Ala (NM_001024847.3); c.1502A>C, p.Glu501Ala (NM_001407126.1); c.1427A>C, p.Glu476Ala (NM_001407127.1); c.1346A>C, p.Glu449Ala (NM_001407128.1); c.1322A>C, p.Glu441Ala (NM_001407129.1); c.1319A>C, p.Glu440Ala (NM_001407130.1); c.1214A>C, p.Glu405Ala (NM_001407132.1, NM_001407133.1, NM_001407134.1 and 2 more transcripts); c.1034A>C, p.Glu345Ala (NM_001407137.1); and 1 more; short protein forms E440A, E465A, E501A, E405A, E441A, E476A, E320A, E345A.
Identifiers: ClinVar variation 955897 (VCV000955897.7), dbSNP rs1699393061, ClinGen allele CA351809007.

ClinVar aggregate classification (germline): Uncertain significance (1 of 4 stars; one submission).

Conditions:
Familial thoracic aortic aneurysm and aortic dissection (TAAD). Also called: Thoracic aortic aneurysms and dissections. Identifiers: Orphanet 91387, MedGen C4707243, MONDO:0019625.

Submission:

Labcorp Genetics (formerly Invitae), Labcorp
Classification: Uncertain significance for Familial thoracic aortic aneurysm and aortic dissection. Last evaluated: 2019-07-30. Review status: criteria provided, single submitter. Criteria: Invitae Variant Classification Sherloc (09022015). Collection method: clinical testing. Allele origin: germline.
Comment: In summary, the available evidence is currently insufficient to determine the role of this variant in disease. Therefore, it has been classified as a Variant of Uncertain Significance. Algorithms developed to predict the effect of missense changes on protein structure and function (SIFT, PolyPhen-2, Align-GVGD) all suggest that this variant is likely to be disruptive, but these predictions have not been confirmed by published functional studies and their clinical significance is uncertain. This variant has not been reported in the literature in individuals with TGFBR2-related conditions. This variant is not present in population databases (ExAC no frequency). This sequence change replaces glutamic acid with alanine at codon 440 of the TGFBR2 protein (p.Glu440Ala). The glutamic acid residue is highly conserved and there is a moderate physicochemical difference between glutamic acid and alanine.